The following is an entry in ClinVar:

ClinVar aggregate classification (germline): Uncertain significance. Review status: criteria provided, multiple submitters, no conflicts (2 of 4 stars). 6 submissions from 5 submitters: Uncertain significance (5). 1 of the submissions does not count toward it. Last evaluated 2024-12-09.

Conditions:
Retinitis pigmentosa 39 (RP39). Identifiers: Orphanet 791, MedGen C3151138, MONDO:0013436, OMIM 613809.
Usher syndrome type 2A. Also called: USHER SYNDROME, TYPE IIA; RETINAL DISEASE IN USHER SYNDROME TYPE IIA, MODIFIER OF. Identifiers: Orphanet 231178, Orphanet 886, MedGen C1848634, MONDO:0010169, OMIM 276901.

Allele frequency attached by ClinVar (database versions not stated): gnomAD 0.00001 and 0.00007; TOPMed 0.00001; gnomAD exomes 0.00007 and 0.00023; ExAC 0.00031; 1000 Genomes Project 30x 0.00078; 1000 Genomes Project 0.00100.
gnomAD v4.1: 125 of 1,613,676 alleles (0.0077%); highest among the groups gnomAD compares: South Asian, 0.12%; 1 homozygote.

Submissions (6):

Labcorp Genetics (formerly Invitae), Labcorp
Classification: Uncertain significance. Last evaluated: 2024-12-09. Review status: criteria provided, single submitter. Criteria: Invitae Variant Classification Sherloc (09022015). Collection method: clinical testing. Allele origin: germline.
Comment: This sequence change replaces asparagine, which is neutral and polar, with serine, which is neutral and polar, at codon 2285 of the USH2A protein (p.Asn2285Ser). This variant is present in population databases (rs528089082, gnomAD 0.2%), including at least one homozygous and/or hemizygous individual. This missense change has been observed in individual(s) with Usher syndrome (PMID: 22135276, 38219857). ClinVar contains an entry for this variant (Variation ID: 449115). Invitae Evidence Modeling of protein sequence and biophysical properties (such as structural, functional, and spatial information, amino acid conservation, physicochemical variation, residue mobility, and thermodynamic stability) indicates that this missense variant is not expected to disrupt USH2A protein function with a negative predictive value of 95%. In summary, the available evidence is currently insufficient to determine the role of this variant in disease. Therefore, it has been classified as a Variant of Uncertain Significance.

Blueprint Genetics
Classification: Uncertain significance. Last evaluated: 2023-12-29. Review status: criteria provided, single submitter. Criteria: ACMG Guidelines, 2015. Collection method: clinical testing. Allele origin: germline.

Genome-Nilou Lab
Classification: Uncertain significance for Retinitis pigmentosa 39. Last evaluated: 2023-11-04. Review status: criteria provided, single submitter. Criteria: ACMG Guidelines, 2015. Collection method: clinical testing. Allele origin: germline. Affected: no.

Genome-Nilou Lab
Classification: Uncertain significance for Usher syndrome type 2A. Last evaluated: 2023-11-04. Review status: criteria provided, single submitter. Criteria: ACMG Guidelines, 2015. Collection method: clinical testing. Allele origin: germline. Affected: no.

GeneDx
Classification: Uncertain significance. Last evaluated: 2018-11-28. Review status: criteria provided, single submitter. Criteria: GeneDx Variant Classification (06012015). Collection method: clinical testing. Allele origin: germline. Affected: yes.
Comment: The N2285S variant in the USH2A gene has been reported previously in Usher syndrome type II, in an affected individual who was compound heterozygous for the N2285S variant and another missense variant ( Le Quesne Stabej et al., 2012). The N2285S variant is observed in 37/16512 (0.22%) alleles from individuals of South Asian background, in the ExAC dataset (Lek et al., 2016). The N2285S variant is a conservative amino acid substitution, which is not likely to impact secondary protein structure as these residues share similar properties. This substitution occurs at a position that is conserved across species. In silico analysis is inconsistent in its predictions as to whether or not the variant is damaging to the protein structure/function. We interpret N2285S as a variant of uncertain significance.

Natera, Inc.
Classification: Uncertain significance for Usher syndrome type 2A. Last evaluated: 2020-09-16. Review status: no assertion criteria provided. Collection method: clinical testing. Allele origin: germline. Not counted in ClinVar's aggregate classification.

Literature cited by the submitters: PubMed 22135276 (cited by Labcorp Genetics (formerly Invitae), Labcorp); PubMed 38219857 (cited by Labcorp Genetics (formerly Invitae), Labcorp).

NM_206933.4(USH2A):c.6854A>G (p.Asn2285Ser)

Gene: USH2A (usherin; minus strand). Cytogenetic location: 1q41.
Variant type: single nucleotide variant.
Coding change: c.6854A>G on transcript NM_206933.4 (MANE Select); coding-DNA position 6854, A replaced by G.
Protein change: p.Asn2285Ser; replaces asparagine 2285 with serine.
Molecular consequence: missense variant.
Genome position (GRCh38, 1-based): chr1:215,970,728, T>C on the plus strand (A>G on the coding strand, the complement: USH2A is on the minus strand). VCF-style: chr1-215970728-T-C. GRCh37 (hg19) VCF-style: chr1-216144070-T-C.
Other names: short protein forms N2285S.
Identifiers: ClinVar variation 449115 (VCV000449115.7), dbSNP rs528089082, ClinGen allele CA1395013.